The following is an entry in ClinVar:

ClinVar aggregate classification (germline): Uncertain significance (1 of 4 stars; one submission).

Submission:

GeneDx
Classification: Uncertain significance. Last evaluated: 2026-05-19. Review status: criteria provided, single submitter. Criteria: GeneDx Variant Classification Process June 2021. Collection method: clinical testing. Allele origin: germline.
Comment: Not observed at significant frequency in large population cohorts (gnomAD); In silico analysis supports that this missense variant does not alter protein structure/function; Has not been previously published as pathogenic or benign to our knowledge

NM_001378328.1(CELSR1):c.2938A>C (p.Ser980Arg)

Gene: CELSR1 (cadherin EGF LAG seven-pass G-type receptor 1; minus strand). Cytogenetic location: 22q13.31.
Variant type: single nucleotide variant.
Coding change: c.2938A>C on transcript NM_001378328.1 (MANE Select); coding-DNA position 2938, A replaced by C.
Protein change: p.Ser980Arg; replaces serine 980 with arginine.
Molecular consequence: missense variant.
Genome position (GRCh38, 1-based): chr22:46,534,233, T>G on the plus strand (A>C on the coding strand, the complement: CELSR1 is on the minus strand). VCF-style: chr22-46534233-T-G. GRCh37 (hg19) VCF-style: chr22-46930130-T-G.
Other names: c.2938A>C, p.Ser980Arg (NM_014246.4); short protein forms S980R.
Identifiers: ClinVar variation 2413081 (VCV002413081.4), dbSNP rs2518404648, ClinGen allele CA411940586.
Genomic context (GRCh38, chr22:46,534,233, plus strand): 5'-CAAACATGGGGGCATTGTCATTAATGTCCAAGATGGTCACCTGGATTTCTACCGAGGCGC[T>G]AAGGGGAGTGGGACTGCCCCGATCCACAGCCAGAGCCCAAAGGTTGTACACGGCCACATT-3'
Protein context (NP_001365257.1, residues 970-990): AVDRGSPTPL[Ser980Arg]ASVEIQVTIL